The following is an entry in ClinVar:

NM_000477.7(ALB):c.1428+2T>C

Gene: ALB (albumin; plus strand). Cytogenetic location: 4q13.3.
Variant type: single nucleotide variant.
Coding change: c.1428+2T>C on transcript NM_000477.7 (MANE Select); the canonical splice donor site of the intron after coding-DNA position 1428, T replaced by C.
Molecular consequence: splice donor variant.
Genome position (GRCh38, 1-based): chr4:73,417,671, T>C. VCF-style: chr4-73417671-T-C. GRCh37 (hg19) VCF-style: chr4-74283388-T-C.
Identifiers: ClinVar variation 156311 (VCV000156311.2), dbSNP rs78784172, ClinGen allele CA170814.

ClinVar aggregate classification (germline): Likely pathogenic. Review status: criteria provided, single submitter (1 of 4 stars). 2 submissions from 2 submitters: Likely pathogenic (1). 1 of the submissions does not count toward it. Last evaluated 2026-01-26.

Conditions:
Analbuminemia (ANALBA). Also called: Analbuminemia, American Indian type; Analbuminemia, Vancouver. Identifiers: Orphanet 86816, MedGen C0878666, OMIM 616000.

Submissions (2):

Human Genetics Section, Sidra Medicine
Classification: Likely pathogenic for Analbuminemia. Last evaluated: 2026-01-26. Review status: criteria provided, single submitter. Criteria: ACMG Guidelines, 2015. Collection method: research. Allele origin: germline. Affected: yes.
Comment: Splice site prediction tools predict that this variant may have significant impact on RNA splicing. Based on the available evidence, this variant is classified as Likely Pathogenic.

ClinVar Staff, National Center for Biotechnology Information (NCBI)
No classification provided. Review status: no classification provided. Collection method: not provided. Allele origin: unknown. Not counted in ClinVar's aggregate classification.